The following is an entry in ClinVar:

NM_006415.4(SPTLC1):c.277A>C (p.Thr93Pro)

Gene: SPTLC1 (serine palmitoyltransferase long chain base subunit 1; minus strand). Cytogenetic location: 9q22.31.
Variant type: single nucleotide variant.
Coding change: c.277A>C on transcript NM_006415.4 (MANE Select); coding-DNA position 277, A replaced by C.
Protein change: p.Thr93Pro; replaces threonine 93 with proline.
Molecular consequence: missense variant. On other transcripts: 5 prime UTR variant (2).
Genome position (GRCh38, 1-based): chr9:92,080,947, T>G on the plus strand (A>C on the coding strand, the complement: SPTLC1 is on the minus strand). VCF-style: chr9-92080947-T-G. GRCh37 (hg19) VCF-style: chr9-94843229-T-G.
Other names: c.277A>C, p.Thr93Pro (NM_001281303.2, NM_178324.3); c.-223A>C (NM_001368272.1); c.-189A>C (NM_001368273.1); short protein forms T93P.
Identifiers: ClinVar variation 4747370 (VCV004747370.1).
Genomic context (GRCh38, chr9:92,080,947, plus strand): 5'-CCAACAATCCAAGAAAATTAAATGAGGCGAAGTTTATACATTCTTTTCCATTCACCACAG[T>G]TTTGTGGCTTGGAGGGCTAGGGAAGAGATAGAGTGGTACATGTCAATTACACATTCATGT-3'
Protein context (NP_006406.1, residues 83-103): NIVSGPPSHK[Thr93Pro]VVNGKECINF

ClinVar aggregate classification (germline): Uncertain significance (1 of 4 stars; one submission).

Conditions:
Hereditary sensory and autonomic neuropathy type 1 (HSAN1). Also called: HSAN 1; HSN Type I; Hereditary Sensory Neuropathy Type I. Identifiers: Orphanet 36386, MedGen C0020071, MONDO:0018213.

gnomAD v4.1: 5 of 1,614,036 alleles (0.00031%); highest among the groups gnomAD compares: Non-Finnish European, 0.00042%; no homozygotes.

Submission:

Labcorp Genetics (formerly Invitae), Labcorp
Classification: Uncertain significance for Hereditary sensory and autonomic neuropathy type 1. Last evaluated: 2025-09-16. Review status: criteria provided, single submitter. Criteria: Invitae Variant Classification Sherloc (09022015). Collection method: clinical testing. Allele origin: germline.
Comment: This sequence change replaces threonine, which is neutral and polar, with proline, which is neutral and non-polar, at codon 93 of the SPTLC1 protein (p.Thr93Pro). This variant is not present in population databases (gnomAD no frequency). This variant has not been reported in the literature in individuals affected with SPTLC1-related conditions. Invitae Evidence Modeling of protein sequence and biophysical properties (such as structural, functional, and spatial information, amino acid conservation, physicochemical variation, residue mobility, and thermodynamic stability) indicates that this missense variant is not expected to disrupt SPTLC1 protein function with a negative predictive value of 80%. In summary, the available evidence is currently insufficient to determine the role of this variant in disease. Therefore, it has been classified as a Variant of Uncertain Significance.